The following is an entry in ClinVar:

NM_000214.3(JAG1):c.3638G>T (p.Arg1213Leu)

Gene: JAG1 (jagged canonical Notch ligand 1; minus strand). Cytogenetic location: 20p12.2.
Variant type: single nucleotide variant.
Coding change: c.3638G>T on transcript NM_000214.3 (MANE Select); coding-DNA position 3638, G replaced by T.
Protein change: p.Arg1213Leu; replaces arginine 1213 with leucine.
Molecular consequence: missense variant.
Genome position (GRCh38, 1-based): chr20:10,639,517, C>A on the plus strand (G>T on the coding strand, the complement: JAG1 is on the minus strand). VCF-style: chr20-10639517-C-A. GRCh37 (hg19) VCF-style: chr20-10620165-C-A.
Other names: short protein forms R1213L.
Identifiers: ClinVar variation 1375967 (VCV001375967.6), dbSNP rs138007561, ClinGen allele CA408242237.
Genomic context (GRCh38, chr20:10,639,517, plus strand): 5'-GCCCTCAGACTCTACCTAGCGGCGGCAGTGCCCGCGGTCTGCTATACGATGTACTCCATT[C>A]GGTTTAAGCTCTGGGCACTTTCCAAGTCTCTGTTGTCCTGTTTGTTTGTCCAGTTTGGGT-3'
Protein context (NP_000205.1, residues 1203-1218): RDLESAQSLN[Arg1213Leu]MEYIV

ClinVar aggregate classification (germline): Uncertain significance (1 of 4 stars; one submission).

Conditions:
Alagille syndrome due to a JAG1 point mutation. Also called: HEPATIC DUCTULAR HYPOPLASIA, SYNDROMATIC; Alagille Syndrome 1; JAG1-Related Alagille Syndrome. Identifiers: Orphanet 261619, Orphanet 52, MedGen C1956125, MONDO:0016862, OMIM 118450.

Submission:

Labcorp Genetics (formerly Invitae), Labcorp
Classification: Uncertain significance for Alagille syndrome due to a JAG1 point mutation. Last evaluated: 2021-08-26. Review status: criteria provided, single submitter. Criteria: Invitae Variant Classification Sherloc (09022015). Collection method: clinical testing. Allele origin: germline.
Comment: In summary, the available evidence is currently insufficient to determine the role of this variant in disease. Therefore, it has been classified as a Variant of Uncertain Significance. Advanced modeling of protein sequence and biophysical properties (such as structural, functional, and spatial information, amino acid conservation, physicochemical variation, residue mobility, and thermodynamic stability) performed at Invitae indicates that this missense variant is not expected to disrupt JAG1 protein function. This variant has not been reported in the literature in individuals affected with JAG1-related conditions. This variant is not present in population databases (ExAC no frequency). This sequence change replaces arginine with leucine at codon 1213 of the JAG1 protein (p.Arg1213Leu). The arginine residue is highly conserved and there is a moderate physicochemical difference between arginine and leucine.